The following is an entry in ClinVar:

ClinVar aggregate classification (germline): Uncertain significance (1 of 4 stars; one submission).

Submission:

Labcorp Genetics (formerly Invitae), Labcorp
Classification: Uncertain significance. Last evaluated: 2025-09-22. Review status: criteria provided, single submitter. Criteria: Invitae Variant Classification Sherloc (09022015). Collection method: clinical testing. Allele origin: germline.
Comment: This sequence change replaces arginine, which is basic and polar, with cysteine, which is neutral and slightly polar, at codon 193 of the TRPV6 protein (p.Arg193Cys). This variant is present in population databases (rs148239732, gnomAD 0.02%). This missense change has been observed in individual(s) with idiopathic chronic pancreatitis (PMID: 34923708). ClinVar contains an entry for this variant (Variation ID: 3705301). An algorithm developed to predict the effect of missense changes on protein structure and function outputs the following: PolyPhen-2: "Not Available". The cysteine amino acid residue is found in multiple mammalian species, which suggests that this missense change does not adversely affect protein function. Experimental studies have shown that this missense change does not substantially affect TRPV6 function (PMID: 34923708). In summary, the available evidence is currently insufficient to determine the role of this variant in disease. Therefore, it has been classified as a Variant of Uncertain Significance.

Literature cited by the submitters: PubMed 34923708.

NM_018646.6(TRPV6):c.577C>T (p.Arg193Cys)

Gene: TRPV6 (transient receptor potential cation channel subfamily V member 6; minus strand). Cytogenetic location: 7q34.
Variant type: single nucleotide variant.
Coding change: c.577C>T on transcript NM_018646.6 (MANE Select); coding-DNA position 577, C replaced by T.
Protein change: p.Arg193Cys; replaces arginine 193 with cysteine.
Molecular consequence: missense variant.
Genome position (GRCh38, 1-based): chr7:142,877,172, G>A on the plus strand (C>T on the coding strand, the complement: TRPV6 is on the minus strand). VCF-style: chr7-142877172-G-A. GRCh37 (hg19) VCF-style: chr7-142574925-G-A.
Other names: short protein forms R193C.
Identifiers: ClinVar variation 3705301 (VCV003705301.2).